The following is an entry in ClinVar:

ClinVar aggregate classification (germline): Uncertain significance (1 of 4 stars; one submission).

Submission:

GeneDx
Classification: Uncertain significance. Last evaluated: 2023-04-15. Review status: criteria provided, single submitter. Criteria: GeneDx Variant Classification Process June 2021. Collection method: clinical testing. Allele origin: germline. Affected: yes.
Comment: Not observed at significant frequency in large population cohorts (gnomAD); In silico analysis supports that this missense variant has a deleterious effect on protein structure/function; Has not been previously published as pathogenic or benign to our knowledge

NM_000214.3(JAG1):c.1000G>A (p.Glu334Lys)

Gene: JAG1 (jagged canonical Notch ligand 1; minus strand). Cytogenetic location: 20p12.2.
Variant type: single nucleotide variant.
Coding change: c.1000G>A on transcript NM_000214.3 (MANE Select); coding-DNA position 1000, G replaced by A.
Protein change: p.Glu334Lys; replaces glutamic acid 334 with lysine.
Molecular consequence: missense variant.
Genome position (GRCh38, 1-based): chr20:10,652,137, C>T on the plus strand (G>A on the coding strand, the complement: JAG1 is on the minus strand). VCF-style: chr20-10652137-C-T. GRCh37 (hg19) VCF-style: chr20-10632785-C-T.
Other names: short protein forms E334K.
Identifiers: ClinVar variation 2663316 (VCV002663316.1), dbSNP rs2514521263, ClinGen allele CA408238916.